The following is an entry in ClinVar:

NM_001267550.2(TTN):c.56732dup (p.Asp18911fs)

Genes: TTN (titin; minus strand), TTN-AS1 (TTN antisense RNA 1; plus strand). Cytogenetic location: 2q31.2.
Variant type: Duplication.
Coding change: c.56732dup on transcript NM_001267550.2 (MANE Select); coding-DNA position 56732, one base duplicated (A; older notation c.56732dupA).
Protein change: p.Asp18911fs; shifts the reading frame from aspartic acid 18911.
Genome position (GRCh38, 1-based): chr2:178,598,978, T duplicated on the plus strand (A on the coding strand, the reverse complement: TTN is on the minus strand). VCF-style (leftmost placement, unchanged base first): chr2-178598977-A-AT. GRCh37 (hg19) VCF-style: chr2-179463704-A-AT.
Other names: c.51809dup, p.Asp17270fs (NM_001256850.1); c.29537dup, p.Asp9846fs (NM_003319.4); c.49028dup, p.Asp16343fs (NM_133378.4); c.29912dup, p.Asp9971fs (NM_133432.3); c.30113dup, p.Asp10038fs (NM_133437.4); c.49028dupA (NM_133378.4); c.56732dup (NM_001267550.1); c.29537dupA (NM_003319.4); short protein forms D16343fs, D9846fs, D9971fs, D10038fs, D17270fs, D18911fs.
Identifiers: ClinVar variation 47115 (VCV000047115.19), dbSNP rs397517626, ClinGen allele CA261881.
Genomic context (GRCh38, chr2:178,598,977, plus strand): 5'-CCATCTCTTTGAAGTGGTGTCTTTCATTTCCAGCCAGTACCCTGTCACAGGAGAGCCTCC[A>AT]TCATATTCTGGCTCTTCCCAGTTGACAGTCATGGAGTTACGAGTCACGCTGCTAACTGTT-3'

ClinVar aggregate classification (germline): Pathogenic/Likely pathogenic. Review status: criteria provided, multiple submitters, no conflicts (2 of 4 stars). 7 submissions from 6 submitters: Pathogenic (2); Likely pathogenic (5). Last evaluated 2026-09-21.

Conditions:
Cardiovascular phenotype. Identifiers: MedGen CN230736.
Dilated cardiomyopathy 1G (CMD1G). Identifiers: Orphanet 154, MedGen C1858763, MONDO:0011400, OMIM 604145.
Autosomal recessive limb-girdle muscular dystrophy type 2J (LGMDR10). Also called: Limb-girdle muscular dystrophy, type 2J; MUSCULAR DYSTROPHY, LIMB-GIRDLE, AUTOSOMAL RECESSIVE 10. Identifiers: Orphanet 140922, MedGen C1837342, MONDO:0012127, OMIM 608807.
Cardiomyopathy (CMYO). Also called: Cardiomyopathies. Identifiers: Orphanet 167848, MedGen C0878544, MONDO:0004994, HP:0001638. Inheritance: Various modes of inheritance.
Primary dilated cardiomyopathy (DCM). Also called: Dilated Cardiomyopathy. Identifiers: Orphanet 217604, MedGen C0007193, MeSH D002311, MONDO:0005021, HP:0001644. Inheritance: Various modes of inheritance.

Allele frequency attached by ClinVar (database versions not stated): gnomAD exomes below 0.00001; TOPMed 0.00001; gnomAD 0.00001.

Submissions (7):

GeneDx
Classification: Pathogenic. Last evaluated: 2026-09-21. Review status: criteria provided, single submitter. Criteria: GeneDx Variant Classification Process June 2021. Collection method: clinical testing. Allele origin: germline.
Comment: Frameshift variant predicted to result in protein truncation or nonsense mediated decay in a gene for which loss of function is a known mechanism of disease; Not observed at significant frequency in large population cohorts (gnomAD); This variant is associated with the following publications: (PMID: 22335739, 32778822, 30535219, 32815318, 35177841, 31691645, 24575448)

Ambry Genetics
Classification: Pathogenic for Cardiovascular phenotype. Last evaluated: 2026-09-03. Review status: criteria provided, single submitter. Criteria: Ambry Variant Classification Scheme 2023. Collection method: clinical testing. Allele origin: germline.
Comment: The c.29537dupA pathogenic mutation, located in coding exon 118 of the TTN gene, results from a duplication of A at nucleotide position 29537, causing a translational frameshift with a predicted alternate stop codon (p.D9846Efs*25). This exon is located in the A-band region of the N2-B isoform of the titin protein and is constitutively expressed in TTN transcripts (percent spliced in or PSI 100%). This variant was reported in individual(s) with features including dilated cardiomyopathy and atrial fibrillation (Choi SH et al. JAMA, 2018 Dec;320:2354-2364; Rich KA et al. Mol Genet Genomic Med, 2020 Oct;8:e1460; Ambry internal data). Note, this variant is also referred to as c.56732dup (p.D18911fs) in the literature. This variant is considered to be rare based on population cohorts in the Genome Aggregation Database (gnomAD). This variant is expected to result in loss of function by premature protein truncation or nonsense-mediated mRNA decay. While truncating variants in TTN are present in 1-3% of the general population, truncating variants in the A-band are the most common cause of dilated cardiomyopathy (Herman DS et al. N. Engl. J. Med., 2012 Feb;366:619-28; Roberts AM et al. Sci Transl Med, 2015 Jan;7:270ra6). TTN truncating variants encoded in constitutive exons (PSI >90%) have been found to be significantly associated with DCM regardless of their position in titin (Schafer S et al. Nat. Genet., 2017 01;49:46-53; Akhtar MM et al. Circ Heart Fail, 2020 Oct;13:e006832; Massier M et al. Clin Genet, 2025 Jan). Based on the supporting evidence, this variant is interpreted as a disease-causing mutation.

Labcorp Genetics (formerly Invitae), Labcorp
Classification: Likely pathogenic for Dilated cardiomyopathy 1G; Autosomal recessive limb-girdle muscular dystrophy type 2J. Last evaluated: 2024-12-22. Review status: criteria provided, single submitter. Criteria: Invitae Variant Classification Sherloc (09022015). Collection method: clinical testing. Allele origin: germline.
Comment: This sequence change creates a premature translational stop signal (p.Asp18911Glufs*25) in the TTN gene. While this is not anticipated to result in nonsense mediated decay, it is expected to create a truncated TTN protein. This variant is present in population databases (rs397517626, gnomAD 0.007%). This premature translational stop signal has been observed in individual(s) with early-onset atrial fibrillation and/or dilated cardiomyopathy (PMID: 30535219, 32815318). ClinVar contains an entry for this variant (Variation ID: 47115). This variant is located in the A band of TTN (PMID: 25589632). Truncating variants in this region are significantly overrepresented in patients affected with dilated cardiomyopathy (PMID: 25589632). Truncating variants in this region have also been reported in individuals affected with autosomal recessive centronuclear myopathy (PMID: 23975875). In summary, the currently available evidence indicates that the variant is pathogenic, but additional data are needed to prove that conclusively. Therefore, this variant has been classified as Likely Pathogenic.

CHEO Genetics Diagnostic Laboratory, Children's Hospital of Eastern Ontario
Classification: Likely pathogenic for Cardiomyopathy. Last evaluated: 2022-03-28. Review status: criteria provided, single submitter. Criteria: ACMG Guidelines, 2015. Collection method: clinical testing. Allele origin: germline.

Labcorp Genetics (formerly Invitae), Labcorp
Classification: Likely pathogenic for Dilated cardiomyopathy 1G. Last evaluated: 2017-04-27. Review status: criteria provided, single submitter. Criteria: Invitae Variant Classification Sherloc (09022015). Collection method: clinical testing. Allele origin: germline.
Comment: This sequence change inserts 1 nucleotide in exon 291 of the TTN mRNA (c.56732dupA), causing a frameshift at codon 18911. This creates a premature translational stop signal (p.Asp18911Glufs*25) and is expected to result in a disrupted protein product. This variant is found in the A-band of this gene. While this particular variant has not been reported in the literature, truncating variants in the A-band of TTN are significantly overrepresented in patients with dilated cardiomyopathy and are considered to be likely pathogenic for the disease (PMID: 25589632). For these reasons, this variant has been classified as Likely Pathogenic.

Stanford Center for Inherited Cardiovascular Disease, Stanford University
Classification: Likely pathogenic. Last evaluated: 2016-10-31. Review status: criteria provided, single submitter. Criteria: ACMG Guidelines, 2015. Collection method: provider interpretation. Allele origin: germline.

Laboratory for Molecular Medicine, Mass General Brigham Personalized Medicine
Classification: Likely pathogenic for Primary dilated cardiomyopathy. Last evaluated: 2013-03-11. Review status: criteria provided, single submitter. Criteria: LMM Criteria. Collection method: clinical testing. Allele origin: germline. Inheritance: Autosomal dominant inheritance. Observed: 1 variant allele.
Comment: The Asp16343fs variant in TTN has not been reported in the literature nor previo usly identified by our laboratory. This frameshift variant is predicted to alter the protein?s amino acid sequence beginning at position 16343 and lead to a pre mature termination codon 25 amino acids downstream. This alteration is then pred icted to lead to a truncated or absent protein. Frameshift and other truncating variants in TTN are strongly associated with DCM and the majority occur in the A -band (Herman 2012, LMM unpublished data), where this variant is located. In sum mary, this variant is likely to be pathogenic, though additional studies are req uired to fully establish its clinical significance.

Literature cited by the submitters: PubMed 30535219 (cited by Ambry Genetics and Labcorp Genetics (formerly Invitae), Labcorp); PubMed 32815318 (cited by Ambry Genetics and Labcorp Genetics (formerly Invitae), Labcorp); PubMed 25589632 (cited by Labcorp Genetics (formerly Invitae), Labcorp); PubMed 23975875 (cited by Labcorp Genetics (formerly Invitae), Labcorp).